The following is an entry in ClinVar:

ClinVar aggregate classification (germline): Uncertain significance (1 of 4 stars; one submission).

Submission:

CeGaT Center for Human Genetics Tuebingen
Classification: Uncertain significance. Last evaluated: 2026-04-01. Review status: criteria provided, single submitter. Criteria: CeGaT Center For Human Genetics Tuebingen Variant Classification Criteria Version 2. Collection method: clinical testing. Allele origin: germline. Affected: yes. Observed: 1 variant allele.
Comment: ZMYM3: PM2, BP4

NM_201599.3(ZMYM3):c.2441C>T (p.Thr814Ile)

Gene: ZMYM3 (zinc finger MYM-type containing 3; minus strand). Cytogenetic location: Xq13.1.
Variant type: single nucleotide variant.
Coding change: c.2441C>T on transcript NM_201599.3 (MANE Select); coding-DNA position 2441, C replaced by T.
Protein change: p.Thr814Ile; replaces threonine 814 with isoleucine.
Molecular consequence: missense variant.
Genome position (GRCh38, 1-based): chrX:71,246,484, G>A on the plus strand (C>T on the coding strand, the complement: ZMYM3 is on the minus strand). VCF-style: chrX-71246484-G-A. GRCh37 (hg19) VCF-style: chrX-70466334-G-A.
Other names: c.2405C>T, p.Thr802Ile (NM_001171162.1); c.2441C>T, p.Thr814Ile (NM_005096.3); short protein forms T802I, T814I.
Identifiers: ClinVar variation 4873757 (VCV004873757.2).